The following is an entry in ClinVar:

NM_015178.3(RHOBTB2):c.935G>T (p.Gly312Val)

Gene: RHOBTB2 (Rho related BTB domain containing 2; plus strand). Cytogenetic location: 8p21.3.
Variant type: single nucleotide variant.
Coding change: c.935G>T on transcript NM_015178.3 (MANE Select); coding-DNA position 935, G replaced by T.
Protein change: p.Gly312Val; replaces glycine 312 with valine.
Molecular consequence: missense variant.
Genome position (GRCh38, 1-based): chr8:23,007,180, G>T. VCF-style: chr8-23007180-G-T. GRCh37 (hg19) VCF-style: chr8-22864693-G-T.
Other names: c.1001G>T, p.Gly334Val (NM_001160036.2); c.956G>T, p.Gly319Val (NM_001160037.2); c.935G>T, p.Gly312Val (NM_001374791.1); short protein forms G312V, G319V, G334V.
Identifiers: ClinVar variation 1512261 (VCV001512261.6), dbSNP rs1414103849, ClinGen allele CA370566649.
Genomic context (GRCh38, chr8:23,007,180, plus strand): 5'-TCTATGACCTGTTCCTCATGGACCTGAGTGAGGGGGAGCTGGGGGGCCCCTCGGAGCCAG[G>T]GGGCACCCACCCAGAGGACCACCAGGGCCACTCTGATCAACACCACCACCATCACCACCA-3'
Protein context (NP_055993.2, residues 302-322): EGELGGPSEP[Gly312Val]GTHPEDHQGH

ClinVar aggregate classification (germline): Uncertain significance. Review status: criteria provided, multiple submitters, no conflicts (2 of 4 stars). 2 submissions from 2 submitters: Uncertain significance (2). Last evaluated 2025-02-19.

Conditions:
Developmental and epileptic encephalopathy, 64. Also called: EPILEPTIC ENCEPHALOPATHY, EARLY INFANTILE, 64. Identifiers: MedGen C4693899, MONDO:0033373, OMIM 618004.

Allele frequency attached by ClinVar (database versions not stated): TOPMed below 0.00001.

Submissions (2):

Labcorp Genetics (formerly Invitae), Labcorp
Classification: Uncertain significance. Last evaluated: 2025-02-19. Review status: criteria provided, single submitter. Criteria: Invitae Variant Classification Sherloc (09022015). Collection method: clinical testing. Allele origin: germline.
Comment: This sequence change replaces glycine, which is neutral and non-polar, with valine, which is neutral and non-polar, at codon 334 of the RHOBTB2 protein (p.Gly334Val). This variant is not present in population databases (gnomAD no frequency). This variant has not been reported in the literature in individuals affected with RHOBTB2-related conditions. ClinVar contains an entry for this variant (Variation ID: 1512261). An algorithm developed to predict the effect of missense changes on protein structure and function (PolyPhen-2) suggests that this variant is likely to be tolerated. In summary, the available evidence is currently insufficient to determine the role of this variant in disease. Therefore, it has been classified as a Variant of Uncertain Significance.

Illumina Laboratory Services, Illumina
Classification: Uncertain significance for Developmental and epileptic encephalopathy, 64. Last evaluated: 2023-08-02. Review status: criteria provided, single submitter. Criteria: ICSLVariantClassificationCriteria RUGD 01 April 2020. Collection method: clinical testing. Allele origin: unknown.
Comment: The RHOBTB2 c.1001G>T (p.Gly334Val) missense variant has not, to our knowledge, been reported in the peer-reviewed literature. This variant is not observed in version 2.1.1 or version 3.1.2 of the Genome Aggregation Database. Based on the available evidence, the c.1001G>T (p.Gly334Val) variant is classified as a variant of uncertain significance for developmental and epileptic encephalopathy.